The following is an entry in ClinVar:

ClinVar aggregate classification (germline): Uncertain significance (1 of 4 stars; one submission).

Conditions:
Werner syndrome (WRN). Identifiers: Orphanet 902, MedGen C0043119, MONDO:0010196, OMIM 277700.

Allele frequency attached by ClinVar (database versions not stated): gnomAD exomes below 0.00001.
gnomAD v4.1: 1 of 1,612,844 alleles (0.000062%); highest among the groups gnomAD compares: Non-Finnish European, 0.000085%; no homozygotes.

Submission:

Labcorp Genetics (formerly Invitae), Labcorp
Classification: Uncertain significance for Werner syndrome. Last evaluated: 2021-05-18. Review status: criteria provided, single submitter. Criteria: Invitae Variant Classification Sherloc (09022015). Collection method: clinical testing. Allele origin: germline.
Comment: Algorithms developed to predict the effect of missense changes on protein structure and function are either unavailable or do not agree on the potential impact of this missense change (SIFT: "Not Available"; PolyPhen-2: "Probably Damaging"; Align-GVGD: "Not Available"). In summary, the available evidence is currently insufficient to determine the role of this variant in disease. Therefore, it has been classified as a Variant of Uncertain Significance. This variant has not been reported in the literature in individuals with WRN-related conditions. This variant is not present in population databases (ExAC no frequency). This sequence change replaces methionine with isoleucine at codon 895 of the WRN protein (p.Met895Ile). The methionine residue is highly conserved and there is a small physicochemical difference between methionine and isoleucine.

NM_000553.6(WRN):c.2685G>C (p.Met895Ile)

Gene: WRN (WRN RecQ like helicase; plus strand). Cytogenetic location: 8p12.
Variant type: single nucleotide variant.
Coding change: c.2685G>C on transcript NM_000553.6 (MANE Select); coding-DNA position 2685, G replaced by C.
Protein change: p.Met895Ile; replaces methionine 895 with isoleucine.
Molecular consequence: missense variant.
Genome position (GRCh38, 1-based): chr8:31,124,576, G>C. VCF-style: chr8-31124576-G-C. GRCh37 (hg19) VCF-style: chr8-30982092-G-C.
Other names: short protein forms M895I.
Identifiers: ClinVar variation 1045136 (VCV001045136.3), dbSNP rs1801846868, ClinGen allele CA370916850.
Genomic context (GRCh38, chr8:31,124,576, plus strand): 5'-CGACAGGCACCTTCTTACTGAGATACGTAATGAGAAGTTTCGATTATACAAATTAAAGAT[G>C]ATGGCAAAGATGGAAAAATATCTTCATTCTAGCAGATGTAGGAGACAGTATGTATTATTT-3'
Protein context (NP_000544.2, residues 885-905): NEKFRLYKLK[Met895Ile]MAKMEKYLHS